The following is an entry in ClinVar:

NM_032737.4(LMNB2):c.1618del (p.His540fs)

Gene: LMNB2 (lamin B2; minus strand). Cytogenetic location: 19p13.3.
Variant type: Deletion.
Coding change: c.1618del on transcript NM_032737.4 (MANE Select); coding-DNA position 1618, one base deleted (C; older notation c.1618delC).
Protein change: p.His540fs; shifts the reading frame from histidine 540.
Molecular consequence: frameshift variant.
Genome position (GRCh38, 1-based): chr19:2,431,875, G deleted on the plus strand (C on the coding strand, the reverse complement: LMNB2 is on the minus strand); the first of 3 consecutive G bases (chr19:2,431,875-2,431,877); deleting any one gives the same sequence. VCF-style (leftmost placement, unchanged base first): chr19-2431874-TG-T. GRCh37 (hg19) VCF-style: chr19-2431872-TG-T.
Other names: short protein forms H540fs.
Identifiers: ClinVar variation 1040528 (VCV001040528.6), dbSNP rs1971745538, ClinGen allele CA2318311113.

ClinVar aggregate classification (germline): Uncertain significance (1 of 4 stars; one submission).

Conditions:
Progressive myoclonic epilepsy type 9. Identifiers: Orphanet 457265, MedGen C4225289, MONDO:0014685, OMIM 616540.
Lipodystrophy, partial, acquired, susceptibility to (APLD). Also called: APLD, SUSCEPTIBILITY TO. Identifiers: MedGen C3887501, MONDO:0100476, OMIM 608709.

Submission:

Labcorp Genetics (formerly Invitae), Labcorp
Classification: Uncertain significance for Progressive myoclonic epilepsy type 9; Lipodystrophy, partial, acquired, susceptibility to. Last evaluated: 2024-12-19. Review status: criteria provided, single submitter. Criteria: Invitae Variant Classification Sherloc (09022015). Collection method: clinical testing. Allele origin: germline.
Comment: This sequence change creates a premature translational stop signal (p.His540Thrfs*35) in the LMNB2 gene. It is expected to result in an absent or disrupted protein product. However, the current clinical and genetic evidence is not sufficient to establish whether loss-of-function variants in LMNB2 cause disease. This variant is not present in population databases (gnomAD no frequency). This variant has not been reported in the literature in individuals affected with LMNB2-related conditions. ClinVar contains an entry for this variant (Variation ID: 1040528). In summary, the available evidence is currently insufficient to determine the role of this variant in disease. Therefore, it has been classified as a Variant of Uncertain Significance.